The following is an entry in ClinVar:

ClinVar aggregate classification (germline): Uncertain significance (1 of 4 stars; one submission).

Submission:

Labcorp Genetics (formerly Invitae), Labcorp
Classification: Uncertain significance. Last evaluated: 2023-08-17. Review status: criteria provided, single submitter. Criteria: Invitae Variant Classification Sherloc (09022015). Collection method: clinical testing. Allele origin: germline.
Comment: In summary, the available evidence is currently insufficient to determine the role of this variant in disease. Therefore, it has been classified as a Variant of Uncertain Significance. An algorithm developed to predict the effect of missense changes on protein structure and function (PolyPhen-2) suggests that this variant is likely to be tolerated. This variant has not been reported in the literature in individuals affected with HNRNPK-related conditions. This variant is not present in population databases (gnomAD no frequency). This sequence change replaces threonine, which is neutral and polar, with alanine, which is neutral and non-polar, at codon 15 of the HNRNPK protein (p.Thr15Ala).

NM_031263.4(HNRNPK):c.43A>G (p.Thr15Ala)

Gene: HNRNPK (heterogeneous nuclear ribonucleoprotein K; minus strand). Cytogenetic location: 9q21.32.
Variant type: single nucleotide variant.
Coding change: c.43A>G on transcript NM_031263.4 (MANE Select); coding-DNA position 43, A replaced by G.
Protein change: p.Thr15Ala; replaces threonine 15 with alanine.
Molecular consequence: missense variant.
Genome position (GRCh38, 1-based): chr9:83,978,210, T>C on the plus strand (A>G on the coding strand, the complement: HNRNPK is on the minus strand). VCF-style: chr9-83978210-T-C. GRCh37 (hg19) VCF-style: chr9-86593125-T-C.
Other names: c.43A>G, p.Thr15Ala (NM_001318186.2, NM_001318187.2, NM_001318188.2 and 2 more transcripts); short protein forms T15A.
Identifiers: ClinVar variation 2798997 (VCV002798997.3), dbSNP rs1957159457, ClinGen allele CA373932451.